The following is an entry in ClinVar:

NM_032043.3(BRIP1):c.380-20T>C

Gene: BRIP1 (BRCA1 interacting DNA helicase 1; minus strand). Cytogenetic location: 17q23.2.
Variant type: single nucleotide variant.
Coding change: c.380-20T>C on transcript NM_032043.3 (MANE Select); 20 bases into the intron before coding-DNA position 380, T replaced by C.
Molecular consequence: intron variant.
Genome position (GRCh38, 1-based): chr17:61,849,276, A>G on the plus strand (T>C on the coding strand, the complement: BRIP1 is on the minus strand). VCF-style: chr17-61849276-A-G. GRCh37 (hg19) VCF-style: chr17-59926637-A-G.
Identifiers: ClinVar variation 1610954 (VCV001610954.10), dbSNP rs748849028, ClinGen allele CA8690942.

ClinVar aggregate classification (germline): Likely benign. Review status: criteria provided, multiple submitters, no conflicts (2 of 4 stars). 2 submissions from 2 submitters: Likely benign (2). Last evaluated 2024-08-21.

Conditions:
Familial cancer of breast. Also called: hereditary breast carcinoma; Hereditary breast cancer; BREAST CANCER, FAMILIAL. Identifiers: Orphanet 227535, MedGen C0346153, MONDO:0016419, OMIM 114480. Disease mechanism: loss of function.
Fanconi anemia complementation group J. Also called: BRIP1-Related Fanconi Anemia. Identifiers: Orphanet 84, MedGen C1836860, MONDO:0012187, OMIM 609054.

Allele frequency attached by ClinVar (database versions not stated): gnomAD exomes below 0.00001; TOPMed below 0.00001; ExAC 0.00001; gnomAD 0.00001.
gnomAD v4.1: 1 of 1,604,330 alleles (0.000062%); highest among the groups gnomAD compares: East Asian, 0.0022%; no homozygotes.

Submissions (2):

Myriad Genetics, Inc.
Classification: Likely benign for Familial cancer of breast. Last evaluated: 2024-08-21. Review status: criteria provided, single submitter. Criteria: Myriad Autosomal Dominant, Autosomal Recessive and X-Linked Classification Criteria (2023). Collection method: clinical testing. Allele origin: unknown.
Comment: This variant is considered likely benign. This variant is intronic and is not expected to impact mRNA splicing.

Labcorp Genetics (formerly Invitae), Labcorp
Classification: Likely benign for Familial cancer of breast; Fanconi anemia complementation group J. Last evaluated: 2022-05-31. Review status: criteria provided, single submitter. Criteria: Invitae Variant Classification Sherloc (09022015). Collection method: clinical testing. Allele origin: germline.